The following is an entry in ClinVar:

NM_012452.3(TNFRSF13B):c.81G>A (p.Thr27=)

Gene: TNFRSF13B (TNF receptor superfamily member 13B; minus strand). Cytogenetic location: 17p11.2.
Variant type: single nucleotide variant.
Coding change: c.81G>A on transcript NM_012452.3 (MANE Select); coding-DNA position 81, G replaced by A.
Protein change: p.Thr27=; no amino-acid change (threonine 27 retained).
Molecular consequence: synonymous variant.
Genome position (GRCh38, 1-based): chr17:16,952,564, C>T on the plus strand (G>A on the coding strand, the complement: TNFRSF13B is on the minus strand). VCF-style: chr17-16952564-C-T. GRCh37 (hg19) VCF-style: chr17-16855878-C-T.
Other names: p.Thr27=.
Identifiers: ClinVar variation 36879 (VCV000036879.38), dbSNP rs8072293, ClinGen allele CA214378.

ClinVar aggregate classification (germline): Benign/Likely benign. Review status: criteria provided, multiple submitters, no conflicts (2 of 4 stars). 10 submissions from 10 submitters: Benign (9); Likely benign (1). Last evaluated 2026-02-04.

Conditions:
Immunodeficiency, common variable, 2 (CVID2). Also called: HYPOGAMMAGLOBULINEMIA DUE TO TACI DEFICIENCY; ANTIBODY DEFICIENCY DUE TO TACI DEFECT. Identifiers: Orphanet 1572, MedGen C3150354, MONDO:0009413, OMIM 240500.

Allele frequency attached by ClinVar (database versions not stated): gnomAD exomes 0.76584 and 0.80638; ESP Exome Variant Server 0.80963; gnomAD 0.81820 and 0.81953; ExAC 0.81119; TOPMed 0.82518; 1000 Genomes Project 30x 0.89710; 1000 Genomes Project 0.89956.
gnomAD v4.1: 1,244,739 of 1,614,088 alleles (77%); highest among the groups gnomAD compares: East Asian, 100%; 483,517 homozygotes.

Submissions (10):

Labcorp Genetics (formerly Invitae), Labcorp
Classification: Benign for Immunodeficiency, common variable, 2. Last evaluated: 2026-02-04. Review status: criteria provided, single submitter. Criteria: Invitae Variant Classification Sherloc (09022015). Collection method: clinical testing. Allele origin: germline.

ARUP Laboratories, Molecular Genetics and Genomics, ARUP Laboratories
Classification: Benign. Last evaluated: 2025-07-30. Review status: criteria provided, single submitter. Criteria: ARUP Molecular Germline Variant Investigation Process 2024. Collection method: clinical testing. Allele origin: germline.

Blueprint Genetics
Classification: Likely benign. Last evaluated: 2024-11-28. Review status: criteria provided, single submitter. Criteria: ACMG Guidelines, 2015. Collection method: clinical testing. Allele origin: germline.

Unidad de Genómica Garrahan, Hospital de Pediatría Garrahan
Classification: Benign. Last evaluated: 2024-01-24. Review status: criteria provided, single submitter. Criteria: ACMG Guidelines, 2015. Collection method: clinical testing. Allele origin: germline. Affected: no. Observed: 94 variant alleles.
Comment: This variant is classified as Benign based on local population frequency. This variant was detected in 99% of patients studied by a panel of primary immunodeficiencies. Number of patients: 94. Only high quality variants are reported.

Genome-Nilou Lab
Classification: Benign for Immunodeficiency, common variable, 2. Last evaluated: 2021-09-10. Review status: criteria provided, single submitter. Criteria: ACMG Guidelines, 2015. Collection method: clinical testing. Allele origin: germline. Affected: no.

Mayo Clinic Laboratories, Mayo Clinic
Classification: Benign. Last evaluated: 2016-10-04. Review status: criteria provided, single submitter. Criteria: ACMG Guidelines, 2015. Collection method: clinical testing. Allele origin: germline. Observed: 165 variant alleles.

Laboratory for Molecular Medicine, Mass General Brigham Personalized Medicine
Classification: Benign. Last evaluated: 2016-03-29. Review status: criteria provided, single submitter. Criteria: LMM Criteria. Collection method: clinical testing. Allele origin: germline.
Comment: Variant identified in a genome or exome case(s) and assessed due to predicted null impact of the variant or pathogenic assertions in the literature or databases. Disclaimer: This variant has not undergone full assessment. The following are preliminary notes: Frequency

Women's Health and Genetics/Laboratory Corporation of America, LabCorp
Classification: Benign for Common Variable Immunodeficiency. Last evaluated: 2011-08-18. Review status: criteria provided, single submitter. Criteria: LabCorp Variant Classification Summary - May 2015. Collection method: curation, clinical testing. Allele origin: germline. Inheritance: autosomal unknown. Affected: yes. Observed: 1 variant allele.
ClinVar note: Converted during submission from benign to Benign.

Breakthrough Genomics
Classification: Benign. Review status: criteria provided, single submitter. Criteria: ACMG Guidelines, 2015. Collection method: not provided. Allele origin: germline. Inheritance: Autosomal recessive inheritance. Affected: yes.

PreventionGenetics, part of Exact Sciences
Classification: Benign. Review status: criteria provided, single submitter. Criteria: ACMG Guidelines, 2015. Collection method: clinical testing. Allele origin: germline.

Literature cited by the submitters: PubMed 17392798 (cited by Women's Health and Genetics/Laboratory Corporation of America, LabCorp); PubMed 16899196 (cited by Women's Health and Genetics/Laboratory Corporation of America, LabCorp); PubMed 16007087 (cited by Women's Health and Genetics/Laboratory Corporation of America, LabCorp); PubMed 17464555 (cited by Women's Health and Genetics/Laboratory Corporation of America, LabCorp).